The following is an entry in ClinVar:

NM_000334.4(SCN4A):c.5417G>A (p.Gly1806Glu)

Genes: GH-LCR (growth hormone locus control region; plus strand), SCN4A (sodium voltage-gated channel alpha subunit 4; minus strand). Cytogenetic location: 17q23.3.
Variant type: single nucleotide variant.
Coding change: c.5417G>A on transcript NM_000334.4 (MANE Select); coding-DNA position 5417, G replaced by A.
Protein change: p.Gly1806Glu; replaces glycine 1806 with glutamic acid.
Molecular consequence: missense variant.
Genome position (GRCh38, 1-based): chr17:63,940,865, C>T on the plus strand (G>A on the coding strand, the complement: SCN4A is on the minus strand). VCF-style: chr17-63940865-C-T. GRCh37 (hg19) VCF-style: chr17-62018225-C-T.
Other names: short protein forms G1806E.
Identifiers: ClinVar variation 1375261 (VCV001375261.6), dbSNP rs2144772881, ClinGen allele CA400610318.

ClinVar aggregate classification (germline): Uncertain significance (1 of 4 stars; one submission).

Conditions:
Hyperkalemic periodic paralysis. Also called: Familial hyperkalemic periodic paralysis; Gamstorp disease. Identifiers: Orphanet 682, MedGen C0238357, MONDO:0008224, OMIM 170500, HP:0007215.

Submission:

Labcorp Genetics (formerly Invitae), Labcorp
Classification: Uncertain significance for Hyperkalemic periodic paralysis. Last evaluated: 2021-08-15. Review status: criteria provided, single submitter. Criteria: Invitae Variant Classification Sherloc (09022015). Collection method: clinical testing. Allele origin: germline.
Comment: This sequence change replaces glycine with glutamic acid at codon 1806 of the SCN4A protein (p.Gly1806Glu). The glycine residue is moderately conserved and there is a moderate physicochemical difference between glycine and glutamic acid. This variant is not present in population databases (ExAC no frequency). This variant has not been reported in the literature in individuals affected with SCN4A-related conditions. Algorithms developed to predict the effect of missense changes on protein structure and function output the following: SIFT: "Tolerated"; PolyPhen-2: "Benign"; Align-GVGD: "Class C0". The glutamic acid amino acid residue is found in multiple mammalian species, which suggests that this missense change does not adversely affect protein function. In summary, the available evidence is currently insufficient to determine the role of this variant in disease. Therefore, it has been classified as a Variant of Uncertain Significance.